The following is an entry in ClinVar:

NM_000540.3(RYR1):c.8439G>C (p.Leu2813=)

Genes: RYR1 (ryanodine receptor 1; plus strand), LOC126862902 (BRD4-independent group 4 enhancer GRCh37_chr19:38995830-38997029; plus strand). Cytogenetic location: 19q13.2.
Variant type: single nucleotide variant.
Coding change: c.8439G>C on transcript NM_000540.3 (MANE Select); coding-DNA position 8439, G replaced by C.
Protein change: p.Leu2813=; no amino-acid change (leucine 2813 retained).
Molecular consequence: synonymous variant.
Genome position (GRCh38, 1-based): chr19:38,505,844, G>C. VCF-style: chr19-38505844-G-C. GRCh37 (hg19) VCF-style: chr19-38996484-G-C.
Other names: c.8439G>C, p.Leu2813= (NM_001042723.2).
Identifiers: ClinVar variation 2892143 (VCV002892143.4), dbSNP rs2514361826, ClinGen allele CA507245022.

ClinVar aggregate classification (germline): Likely benign. Review status: criteria provided, multiple submitters, no conflicts (2 of 4 stars). 2 submissions from 2 submitters: Likely benign (2). Last evaluated 2023-06-26.

Conditions:
Malignant hyperthermia, susceptibility to, 1 (MHS1). Also called: Anesthesia related hyperthermia; Malignant hyperpyrexia; Fulminating hyperpyrexia; Pharmacogenic myopathy; RYR1-Related Malignant Hyperthermia Susceptibility; Malignant hyperthermia suceptibility 1. Identifiers: Orphanet 423, MedGen C2930980, MONDO:0007783, OMIM 145600.
RYR1-related disorder. Also called: RYR1-related disorders; RYR1-related condition. Identifiers: MedGen CN239331.

Submissions (2):

All of Us Research Program, National Institutes of Health
Classification: Likely benign for Malignant hyperthermia, susceptibility to, 1. Last evaluated: 2023-06-26. Review status: criteria provided, single submitter. Criteria: ACMG Guidelines, 2015. Collection method: clinical testing. Allele origin: germline. Inheritance: Autosomal dominant inheritance. Observed: 1 variant allele, 1 heterozygote.
Comment: This study involves interpretation of variants in research participants for the purpose of population health screening. Participant phenotype was not available at the time of variant classification. Additional details can be found in publication PMID: 35346344, PMCID: PMC8962531

Labcorp Genetics (formerly Invitae), Labcorp
Classification: Likely benign for RYR1-related disorder. Last evaluated: 2023-02-14. Review status: criteria provided, single submitter. Criteria: Invitae Variant Classification Sherloc (09022015). Collection method: clinical testing. Allele origin: germline.